The following is an entry in ClinVar:

ClinVar aggregate classification (germline): Pathogenic (1 of 4 stars; one submission).

Conditions:
Autosomal recessive nonsyndromic hearing loss 4 (DFNB4). Also called: Deafness, autosomal recessive 4; FOXI1-Related Pendred Syndrome; KCNJ10-Related Pendred Syndrome; DEAFNESS, AUTOSOMAL RECESSIVE 4, WITH ENLARGED VESTIBULAR AQUEDUCT, DIGENIC; NEUROSENSORY NONSYNDROMIC RECESSIVE DEAFNESS 4; Nonsyndromic enlarged vestibular aqueduct (NSEVA). Identifiers: Orphanet 90636, MedGen C3538946, MONDO:0010933, OMIM 600791.

Submission:

Institute of Rare Diseases, West China Hospital, Sichuan University
Classification: Pathogenic for Autosomal recessive nonsyndromic hearing loss 4. Last evaluated: 2025-01-09. Review status: criteria provided, single submitter. Criteria: ClinGen HL ACMG Specifications v1. Collection method: research. Allele origin: germline. Affected: yes.
Comment: PVS1;PM3;PM2_Supporting

NM_000441.2(SLC26A4):c.969C>A (p.Tyr323Ter)

Gene: SLC26A4 (solute carrier family 26 member 4; plus strand). Cytogenetic location: 7q22.3.
Variant type: single nucleotide variant.
Coding change: c.969C>A on transcript NM_000441.2 (MANE Select); coding-DNA position 969, C replaced by A.
Protein change: p.Tyr323Ter; replaces tyrosine 323 with a stop codon.
Molecular consequence: nonsense.
Genome position (GRCh38, 1-based): chr7:107,683,505, C>A. VCF-style: chr7-107683505-C-A. GRCh37 (hg19) VCF-style: chr7-107323950-C-A.
Other names: short protein forms Y323*.
Identifiers: ClinVar variation 3601792 (VCV003601792.1).